The following is an entry in ClinVar:

NM_018896.5(CACNA1G):c.3356T>C (p.Leu1119Pro)

Gene: CACNA1G (calcium voltage-gated channel subunit alpha1 G; plus strand). Cytogenetic location: 17q21.33.
Variant type: single nucleotide variant.
Coding change: c.3356T>C on transcript NM_018896.5 (MANE Select); coding-DNA position 3356, T replaced by C.
Protein change: p.Leu1119Pro; replaces leucine 1119 with proline.
Molecular consequence: missense variant. On other transcripts: non-coding transcript variant (5).
Genome position (GRCh38, 1-based): chr17:50,599,525, T>C. VCF-style: chr17-50599525-T-C. GRCh37 (hg19) VCF-style: chr17-48676886-T-C.
Other names: c.3356T>C, p.Leu1119Pro (NM_198380.3, NM_198384.3, NM_198385.3 and 16 more transcripts); c.3287T>C, p.Leu1096Pro (NM_198382.3, NM_198383.3, NM_198387.3 and 5 more transcripts); c.3356T>C (NM_018896.3); short protein forms L1096P, L1119P.
Identifiers: ClinVar variation 2889816 (VCV002889816.4), dbSNP rs763340278, ClinGen allele CA8652702.

ClinVar aggregate classification (germline): Uncertain significance. Review status: criteria provided, multiple submitters, no conflicts (2 of 4 stars). 2 submissions from 2 submitters: Uncertain significance (2). Last evaluated 2025-09-04.

Conditions:
Inborn genetic diseases. Identifiers: MedGen C0950123, MeSH D030342.

Allele frequency attached by ClinVar (database versions not stated): ExAC 0.00002; gnomAD exomes 0.00002; gnomAD 0.00003; TOPMed 0.00003.
gnomAD v4.1: 33 of 1,611,550 alleles (0.002%); highest among the groups gnomAD compares: Admixed American, 0.0034%; no homozygotes.

Submissions (2):

Ambry Genetics
Classification: Uncertain significance for Inborn genetic diseases. Last evaluated: 2025-09-04. Review status: criteria provided, single submitter. Criteria: Ambry Variant Classification Scheme 2023. Collection method: clinical testing. Allele origin: germline.

Labcorp Genetics (formerly Invitae), Labcorp
Classification: Uncertain significance. Last evaluated: 2023-09-05. Review status: criteria provided, single submitter. Criteria: Invitae Variant Classification Sherloc (09022015). Collection method: clinical testing. Allele origin: germline.
Comment: This variant is present in population databases (rs763340278, gnomAD 0.003%). This variant has not been reported in the literature in individuals affected with CACNA1G-related conditions. Advanced modeling of protein sequence and biophysical properties (such as structural, functional, and spatial information, amino acid conservation, physicochemical variation, residue mobility, and thermodynamic stability) has been performed at Invitae for this missense variant, however the output from this modeling did not meet the statistical confidence thresholds required to predict the impact of this variant on CACNA1G protein function. In summary, the available evidence is currently insufficient to determine the role of this variant in disease. Therefore, it has been classified as a Variant of Uncertain Significance. This sequence change replaces leucine, which is neutral and non-polar, with proline, which is neutral and non-polar, at codon 1119 of the CACNA1G protein (p.Leu1119Pro).